The following is an entry in ClinVar:

NM_001035.3(RYR2):c.11176T>C (p.Tyr3726His)

Gene: RYR2 (ryanodine receptor 2; plus strand). Cytogenetic location: 1q43.
Variant type: single nucleotide variant.
Coding change: c.11176T>C on transcript NM_001035.3 (MANE Select); coding-DNA position 11176, T replaced by C.
Protein change: p.Tyr3726His; replaces tyrosine 3726 with histidine.
Molecular consequence: missense variant.
Genome position (GRCh38, 1-based): chr1:237,756,318, T>C. VCF-style: chr1-237756318-T-C. GRCh37 (hg19) VCF-style: chr1-237919618-T-C.
Other names: short protein forms Y3726H.
Identifiers: ClinVar variation 959496 (VCV000959496.6), dbSNP rs1692948665, ClinGen allele CA345425815.

ClinVar aggregate classification (germline): Uncertain significance. Review status: criteria provided, multiple submitters, no conflicts (2 of 4 stars). 2 submissions from 2 submitters: Uncertain significance (2). Last evaluated 2025-10-07.

Conditions:
Cardiomyopathy (CMYO). Also called: Cardiomyopathies. Identifiers: Orphanet 167848, MedGen C0878544, MONDO:0004994, HP:0001638. Inheritance: Various modes of inheritance.
Catecholaminergic polymorphic ventricular tachycardia 1. Also called: VENTRICULAR TACHYCARDIA, CATECHOLAMINERGIC POLYMORPHIC, 1, WITH OR WITHOUT ATRIAL DYSFUNCTION AND/OR DILATED CARDIOMYOPATHY; VENTRICULAR TACHYCARDIA, STRESS-INDUCED POLYMORPHIC 1; RYR2-Related Catecholaminergic Polymorphic Ventricular Tachycardia. Identifiers: Orphanet 3286, MedGen C1631597, MONDO:0011484, OMIM 604772.

Submissions (2):

Color Diagnostics, LLC DBA Color Health
Classification: Uncertain significance for Cardiomyopathy. Last evaluated: 2025-10-07. Review status: criteria provided, single submitter. Criteria: ACMG Guidelines, 2015. Collection method: clinical testing. Allele origin: germline.
Comment: This missense variant replaces tyrosine with histidine at codon 3726 of the RYR2 protein. Computational prediction suggests that this variant may have deleterious impact on protein structure and function. To our knowledge, functional studies have not been reported for this variant. This variant has been reported in an individual affected with cardiomyopathy or arrhythmia (PMID: 35947370). This variant has not been identified in the general population by the Genome Aggregation Database (gnomAD). The available evidence is insufficient to determine the role of this variant in disease conclusively. Therefore, this variant is classified as a Variant of Uncertain Significance.

Labcorp Genetics (formerly Invitae), Labcorp
Classification: Uncertain significance for Catecholaminergic polymorphic ventricular tachycardia 1. Last evaluated: 2021-08-28. Review status: criteria provided, single submitter. Criteria: Invitae Variant Classification Sherloc (09022015). Collection method: clinical testing. Allele origin: germline.
Comment: This sequence change replaces tyrosine with histidine at codon 3726 of the RYR2 protein (p.Tyr3726His). The tyrosine residue is highly conserved and there is a moderate physicochemical difference between tyrosine and histidine. This variant is not present in population databases (ExAC no frequency). This variant has not been reported in the literature in individuals affected with RYR2-related conditions. Algorithms developed to predict the effect of missense changes on protein structure and function are either unavailable or do not agree on the potential impact of this missense change (SIFT: "Deleterious"; PolyPhen-2: "Probably Damaging"; Align-GVGD: "Class C0"). In summary, the available evidence is currently insufficient to determine the role of this variant in disease. Therefore, it has been classified as a Variant of Uncertain Significance.

Literature cited by the submitters: PubMed 35947370 (cited by Color Diagnostics, LLC DBA Color Health).